The following is an entry in ClinVar:

ClinVar aggregate classification (germline): Uncertain significance. Review status: criteria provided, multiple submitters, no conflicts (2 of 4 stars). 2 submissions from 2 submitters: Uncertain significance (2). Last evaluated 2025-09-03.

Conditions:
Hereditary cancer-predisposing syndrome. Also called: Hereditary neoplastic syndrome; Hereditary Cancer Syndrome; Neoplastic Syndromes, Hereditary; Tumor predisposition. Identifiers: Orphanet 140162, MedGen C0027672, MeSH D009386, MONDO:0015356.
Familial adenomatous polyposis 2. Also called: MYH-associated polyposis; COLORECTAL ADENOMATOUS POLYPOSIS, AUTOSOMAL RECESSIVE; ADENOMAS, MULTIPLE COLORECTAL, AUTOSOMAL RECESSIVE; MUTYH-related attenuated familial adenomatous polyposis; Adenomas, multiple colorectal; FAP type 2. Identifiers: Orphanet 220460, Orphanet 247798, MedGen C3272841, MONDO:0012041, OMIM 608456.

Allele frequency attached by ClinVar (database versions not stated): ExAC 0.00001; gnomAD 0.00001; gnomAD exomes below 0.00001; TOPMed below 0.00001.
gnomAD v4.1: 1 of 1,614,118 alleles (0.000062%); highest among the groups gnomAD compares: African/African-American, 0.0013%; no homozygotes.

Submissions (2):

Ambry Genetics
Classification: Uncertain significance for Hereditary cancer-predisposing syndrome. Last evaluated: 2025-09-03. Review status: criteria provided, single submitter. Criteria: Ambry Variant Classification Scheme 2023. Collection method: clinical testing. Allele origin: germline.
Comment: The p.L101V variant (also known as c.301C>G), located in coding exon 3 of the MUTYH gene, results from a C to G substitution at nucleotide position 301. The leucine at codon 101 is replaced by valine, an amino acid with highly similar properties. This amino acid position is highly conserved in available vertebrate species. In addition, this alteration is predicted to be deleterious by in silico analysis. Based on the available evidence, the clinical significance of this variant remains unclear.

Labcorp Genetics (formerly Invitae), Labcorp
Classification: Uncertain significance for Familial adenomatous polyposis 2. Last evaluated: 2024-04-15. Review status: criteria provided, single submitter. Criteria: Invitae Variant Classification Sherloc (09022015). Collection method: clinical testing. Allele origin: germline.
Comment: This sequence change replaces leucine, which is neutral and non-polar, with valine, which is neutral and non-polar, at codon 101 of the MUTYH protein (p.Leu101Val). This variant is present in population databases (rs759170125, gnomAD 0.007%). This variant has not been reported in the literature in individuals affected with MUTYH-related conditions. ClinVar contains an entry for this variant (Variation ID: 479984). An algorithm developed to predict the effect of missense changes on protein structure and function (PolyPhen-2) suggests that this variant is likely to be disruptive. Algorithms developed to predict the effect of sequence changes on RNA splicing suggest that this variant may create or strengthen a splice site. In summary, the available evidence is currently insufficient to determine the role of this variant in disease. Therefore, it has been classified as a Variant of Uncertain Significance.

NM_001048174.2(MUTYH):c.217C>G (p.Leu73Val)

Gene: MUTYH (mutY DNA glycosylase; minus strand). Cytogenetic location: 1p34.1.
Variant type: single nucleotide variant.
Coding change: c.217C>G on transcript NM_001048174.2 (MANE Select); coding-DNA position 217, C replaced by G.
Protein change: p.Leu73Val; replaces leucine 73 with valine.
Molecular consequence: missense variant. On other transcripts: 5 prime UTR variant (4), non-coding transcript variant (2).
Genome position (GRCh38, 1-based): chr1:45,333,460, G>C on the plus strand (C>G on the coding strand, the complement: MUTYH is on the minus strand). VCF-style: chr1-45333460-G-C. GRCh37 (hg19) VCF-style: chr1-45799132-G-C.
Other names: c.217C>G, p.Leu73Val (NM_001048171.2, NM_001048173.2, NM_001293195.2); c.220C>G, p.Leu74Val (NM_001048172.2); c.301C>G, p.Leu101Val (NM_001128425.2); c.262C>G, p.Leu88Val (NM_001293190.2); c.250C>G, p.Leu84Val (NM_001293191.2); c.-60C>G (NM_001293192.2, NM_001293196.2); c.-55C>G (NM_001350650.2, NM_001350651.2); c.292C>G, p.Leu98Val (NM_012222.3); short protein forms L101V, L98V, L74V, L73V, L84V, L88V.
Identifiers: ClinVar variation 479984 (VCV000479984.14), dbSNP rs759170125, ClinGen allele CA057312.